The following is an entry in ClinVar:

NM_001394998.1(TANC2):c.881G>T (p.Ser294Ile)

Gene: TANC2 (tetratricopeptide repeat, ankyrin repeat and coiled-coil containing 2; plus strand). Cytogenetic location: 17q23.3.
Variant type: single nucleotide variant.
Coding change: c.881G>T on transcript NM_001394998.1 (MANE Select); coding-DNA position 881, G replaced by T.
Protein change: p.Ser294Ile; replaces serine 294 with isoleucine.
Molecular consequence: missense variant.
Genome position (GRCh38, 1-based): chr17:63,237,925, G>T. VCF-style: chr17-63237925-G-T. GRCh37 (hg19) VCF-style: chr17-61315286-G-T.
Other names: c.659G>T, p.Ser220Ile (NM_025185.4); short protein forms S220I, S294I.
Identifiers: ClinVar variation 1199222 (VCV001199222.5), dbSNP rs2146053829, ClinGen allele CA400792587.

ClinVar aggregate classification (germline): Uncertain significance (1 of 4 stars; one submission).

Conditions:
Intellectual developmental disorder with autistic features and language delay, with or without seizures. Identifiers: MedGen C5394447, MONDO:0030051, OMIM 618906.

Submission:

Illumina Laboratory Services, Illumina
Classification: Uncertain significance for Intellectual developmental disorder with autistic features and language delay, with or without seizures. Last evaluated: 2021-03-24. Review status: criteria provided, single submitter. Criteria: ICSLVariantClassificationCriteria RUGD 01 April 2020. Collection method: clinical testing. Allele origin: unknown.
Comment: The TANC2 c.659G>T (p.Ser220Ile) variant is a missense variant. A literature search was performed for the gene, cDNA change, and amino acid change. No publications were found based on this search. This variant is not found in the Genome Aggregation Database in a region of good sequencing coverage so the variant is presumed to be rare. Based on the limited evidence, the p.Ser220Ile variant is classified as a variant of uncertain significance for TANC2-related neurodevelopmental disorder.